The following is an entry in ClinVar:

NM_001267550.2(TTN):c.78942T>C (p.Asp26314=)

Genes: TTN (titin; minus strand), TTN-AS1 (TTN antisense RNA 1; plus strand). Cytogenetic location: 2q31.2.
Variant type: single nucleotide variant.
Coding change: c.78942T>C on transcript NM_001267550.2 (MANE Select); coding-DNA position 78942, T replaced by C.
Protein change: p.Asp26314=; no amino-acid change (aspartic acid 26314 retained).
Molecular consequence: synonymous variant.
Genome position (GRCh38, 1-based): chr2:178,567,190, A>G on the plus strand (T>C on the coding strand, the complement: TTN is on the minus strand). VCF-style: chr2-178567190-A-G. GRCh37 (hg19) VCF-style: chr2-179431917-A-G.
Other names: c.74019T>C, p.Asp24673= (NM_001256850.1); c.51747T>C, p.Asp17249= (NM_003319.4); c.71238T>C, p.Asp23746= (NM_133378.4); c.52122T>C, p.Asp17374= (NM_133432.3); c.52323T>C, p.Asp17441= (NM_133437.4).
Identifiers: ClinVar variation 389392 (VCV000389392.18), dbSNP rs560223850, ClinGen allele CA1989548.
Genomic context (GRCh38, chr2:178,567,190, plus strand): 5'-CCAGGCAAGTCGACTGGTTTCTCGCTTTTCAACAACATAGTGAGAAATGTCACTGCCACC[A>G]TCTTGAAGTGGTGGAGACCATGTTAAAGAGCATTTTTCAGAAGTGACTCCAGTAACCTGG-3'
Protein context (NP_001254479.2, residues 26304-26324): CSLTWSPPLQ[Asp26314=]GGSDISHYVV

ClinVar aggregate classification (germline): Benign/Likely benign. Review status: criteria provided, multiple submitters, no conflicts (2 of 4 stars). 9 submissions from 6 submitters: Benign (5); Likely benign (4). Last evaluated 2025-12-29.

Conditions:
Cardiovascular phenotype. Identifiers: MedGen CN230736.
Tibial muscular dystrophy (TMD). Also called: Udd Distal Myopathy – Tibial Muscular Dystrophy; Tibial muscular dystrophy, tardive; UDD MYOPATHY. Identifiers: Orphanet 609, MedGen C1838244, MONDO:0010870, OMIM 600334.
Autosomal recessive limb-girdle muscular dystrophy type 2J (LGMDR10). Also called: Limb-girdle muscular dystrophy, type 2J; MUSCULAR DYSTROPHY, LIMB-GIRDLE, AUTOSOMAL RECESSIVE 10. Identifiers: Orphanet 140922, MedGen C1837342, MONDO:0012127, OMIM 608807.
Dilated cardiomyopathy 1G (CMD1G). Identifiers: Orphanet 154, MedGen C1858763, MONDO:0011400, OMIM 604145.
Myopathy, myofibrillar, 9, with early respiratory failure (MFM9). Also called: Hereditary myopathy with early respiratory failure; Myopathy, distal, with early respiratory failure, autosomal dominant; MYOPATHY, PROXIMAL, WITH EARLY RESPIRATORY MUSCLE INVOLVEMENT; EDSTROM MYOPATHY. Identifiers: Orphanet 178464, Orphanet 34521, MedGen C1863599, MONDO:0011362, OMIM 603689.
Early-onset myopathy with fatal cardiomyopathy (CMYO5). Also called: Salih Myopathy; CONGENITAL MYOPATHY 5 WITH CARDIOMYOPATHY. Identifiers: Orphanet 289377, MedGen C2673677, MONDO:0012714, OMIM 611705. Disease mechanism: loss of function.

Allele frequency attached by ClinVar (database versions not stated): gnomAD 0.00001 and 0.00005; TOPMed 0.00002; gnomAD exomes 0.00013 and 0.00022; ExAC 0.00025; 1000 Genomes Project 30x 0.00031; 1000 Genomes Project 0.00040.
gnomAD v4.1: 204 of 1,613,178 alleles (0.013%); highest among the groups gnomAD compares: South Asian, 0.21%; 1 homozygote.

Submissions (9):

Labcorp Genetics (formerly Invitae), Labcorp
Classification: Benign for Dilated cardiomyopathy 1G; Autosomal recessive limb-girdle muscular dystrophy type 2J. Last evaluated: 2025-12-29. Review status: criteria provided, single submitter. Criteria: Invitae Variant Classification Sherloc (09022015). Collection method: clinical testing. Allele origin: germline.

Ambry Genetics
Classification: Likely benign for Cardiovascular phenotype. Last evaluated: 2024-05-26. Review status: criteria provided, single submitter. Criteria: Ambry Variant Classification Scheme 2023. Collection method: clinical testing. Allele origin: germline.

Blueprint Genetics
Classification: Likely benign. Last evaluated: 2024-03-20. Review status: criteria provided, single submitter. Criteria: ACMG Guidelines, 2015. Collection method: clinical testing. Allele origin: germline.

Genome-Nilou Lab
Classification: Benign for Autosomal recessive limb-girdle muscular dystrophy type 2J. Last evaluated: 2021-09-10. Review status: criteria provided, single submitter. Criteria: ACMG Guidelines, 2015. Collection method: clinical testing. Allele origin: germline. Affected: no.

Genome-Nilou Lab
Classification: Benign for Myopathy, myofibrillar, 9, with early respiratory failure. Last evaluated: 2021-09-10. Review status: criteria provided, single submitter. Criteria: ACMG Guidelines, 2015. Collection method: clinical testing. Allele origin: germline. Affected: no.

Genome-Nilou Lab
Classification: Benign for Early-onset myopathy with fatal cardiomyopathy. Last evaluated: 2021-09-10. Review status: criteria provided, single submitter. Criteria: ACMG Guidelines, 2015. Collection method: clinical testing. Allele origin: germline. Affected: no.

Genome-Nilou Lab
Classification: Benign for Tibial muscular dystrophy. Last evaluated: 2021-09-10. Review status: criteria provided, single submitter. Criteria: ACMG Guidelines, 2015. Collection method: clinical testing. Allele origin: germline. Affected: no.

GeneDx
Classification: Likely benign. Last evaluated: 2016-12-12. Review status: criteria provided, single submitter. Criteria: GeneDx Variant Classification (06012015). Collection method: clinical testing. Allele origin: germline. Affected: yes.
Comment: This variant is considered likely benign or benign based on one or more of the following criteria: it is a conservative change, it occurs at a poorly conserved position in the protein, it is predicted to be benign by multiple in silico algorithms, and/or has population frequency not consistent with disease.

Eurofins Ntd Llc (ga)
Classification: Likely benign. Last evaluated: 2016-11-14. Review status: criteria provided, single submitter. Criteria: EGL Classification Definitions 2015. Collection method: clinical testing. Allele origin: germline. Observed: 3 variant alleles, 3 heterozygotes.